The following is an entry in ClinVar:

NM_001625.4(AK2):c.708_710dup (p.Val236_Met237insIle)

Gene: AK2 (adenylate kinase 2; minus strand). Cytogenetic location: 1p35.1.
Variant type: Duplication.
Coding change: c.708_710dup on transcript NM_001625.4 (MANE Select); coding-DNA positions 708 to 710, 3 bases duplicated (TAT; older notation c.708_710dupTAT).
Protein change: p.Val236_Met237insIle.
Molecular consequence: inframe insertion. On other transcripts: 3 prime UTR variant (1), intron variant (5).
Genome position (GRCh38, 1-based): chr1:33,013,191-33,013,193, ATA duplicated on the plus strand (TAT on the coding strand, the reverse complement: AK2 is on the minus strand); duplicating any 3 consecutive bases within chr1:33,013,191-33,013,194 gives the same sequence; the c. name uses the placement nearest the transcript's 3' end. VCF-style (leftmost placement, unchanged base first): chr1-33013190-C-CATA. GRCh37 (hg19) VCF-style: chr1-33478791-C-CATA.
Other names: c.564_566dup, p.Val188_Met189insIle (NM_001319140.2); c.*211_*213dup (NM_001319143.2); c.694+14_694+16dup (NM_013411.5, NM_001319141.3); c.568+14_568+16dup (NM_001319142.3); c.670+14_670+16dup (NM_001199199.3); c.550+14_550+16dup (NM_001319139.3).
Identifiers: ClinVar variation 1397284 (VCV001397284.8), dbSNP rs2124278114, ClinGen allele CA2573132234.

ClinVar aggregate classification (germline): Uncertain significance (1 of 4 stars; one submission).

Conditions:
Reticular dysgenesis. Also called: ALEUKOCYTOSIS; CONGENITAL ALEUKIA; HEMATOPOIETIC HYPOPLASIA, GENERALIZED; RETICULAR DYSGENESIA; SEVERE COMBINED IMMUNODEFICIENCY WITH LEUKOPENIA; DeVaal disease. Identifiers: Orphanet 33355, MedGen C0272167, MONDO:0009973, OMIM 267500.

Submission:

Labcorp Genetics (formerly Invitae), Labcorp
Classification: Uncertain significance for Reticular dysgenesis. Last evaluated: 2021-05-25. Review status: criteria provided, single submitter. Criteria: Invitae Variant Classification Sherloc (09022015). Collection method: clinical testing. Allele origin: germline.
Comment: In summary, the available evidence is currently insufficient to determine the role of this variant in disease. Therefore, it has been classified as a Variant of Uncertain Significance. Experimental studies and prediction algorithms are not available or were not evaluated, and the functional significance of this variant is currently unknown. This variant has not been reported in the literature in individuals with AK2-related conditions. This variant is not present in population databases (ExAC no frequency). This variant, c.708_710dup, results in the insertion of 1 amino acid(s) to the AK2 protein (p.Val236_Met237insIle), but otherwise preserves the integrity of the reading frame.